The following is an entry in ClinVar:

NM_032608.7(MYO18B):c.5232G>C (p.Glu1744Asp)

Gene: MYO18B (myosin XVIIIB; plus strand). Cytogenetic location: 22q12.1.
Variant type: single nucleotide variant.
Coding change: c.5232G>C on transcript NM_032608.7 (MANE Select); coding-DNA position 5232, G replaced by C.
Protein change: p.Glu1744Asp; replaces glutamic acid 1744 with aspartic acid.
Molecular consequence: missense variant.
Genome position (GRCh38, 1-based): chr22:25,908,405, G>C. VCF-style: chr22-25908405-G-C. GRCh37 (hg19) VCF-style: chr22-26304372-G-C.
Other names: c.5235G>C, p.Glu1745Asp (NM_001318245.2); short protein forms E1744D, E1745D.
Identifiers: ClinVar variation 2075968 (VCV002075968.3), dbSNP rs758764957, ClinGen allele CA411002049.

ClinVar aggregate classification (germline): Uncertain significance (1 of 4 stars; one submission).

Allele frequency attached by ClinVar (database versions not stated): gnomAD 0.00001.
gnomAD v4.1: 15 of 1,598,368 alleles (0.00094%); highest among the groups gnomAD compares: African/African-American, 0.0013%; no homozygotes.

Submission:

Labcorp Genetics (formerly Invitae), Labcorp
Classification: Uncertain significance. Last evaluated: 2022-08-19. Review status: criteria provided, single submitter. Criteria: Invitae Variant Classification Sherloc (09022015). Collection method: clinical testing. Allele origin: germline.
Comment: This sequence change replaces glutamic acid, which is acidic and polar, with aspartic acid, which is acidic and polar, at codon 1744 of the MYO18B protein (p.Glu1744Asp). This variant is present in population databases (no rsID available, gnomAD 0.002%). This variant has not been reported in the literature in individuals affected with MYO18B-related conditions. Algorithms developed to predict the effect of missense changes on protein structure and function are either unavailable or do not agree on the potential impact of this missense change (SIFT: "Not Available"; PolyPhen-2: "Probably Damaging"; Align-GVGD: "Not Available"). In summary, the available evidence is currently insufficient to determine the role of this variant in disease. Therefore, it has been classified as a Variant of Uncertain Significance.